The following is an entry in ClinVar:

ClinVar aggregate classification (germline): Uncertain significance. Review status: criteria provided, multiple submitters, no conflicts (2 of 4 stars). 4 submissions from 4 submitters: Uncertain significance (4). Last evaluated 2025-12-11.

Conditions:
Inborn genetic diseases. Identifiers: MedGen C0950123, MeSH D030342.

Allele frequency attached by ClinVar (database versions not stated): TOPMed 0.00003; ExAC 0.00006; gnomAD exomes 0.00010; 1000 Genomes Project 0.00020; 1000 Genomes Project 30x 0.00031.

Submissions (4):

Ambry Genetics
Classification: Uncertain significance for Inborn genetic diseases. Last evaluated: 2025-12-11. Review status: criteria provided, single submitter. Criteria: Ambry Variant Classification Scheme 2023. Collection method: clinical testing. Allele origin: germline.

Mayo Clinic Laboratories, Mayo Clinic
Classification: Uncertain significance. Last evaluated: 2024-01-04. Review status: criteria provided, single submitter. Criteria: ACMG Guidelines, 2015. Collection method: clinical testing. Allele origin: germline. Observed: 1 variant allele.
Comment: BP4

Labcorp Genetics (formerly Invitae), Labcorp
Classification: Uncertain significance. Last evaluated: 2022-07-25. Review status: criteria provided, single submitter. Criteria: Invitae Variant Classification Sherloc (09022015). Collection method: clinical testing. Allele origin: germline.
Comment: This sequence change replaces leucine, which is neutral and non-polar, with phenylalanine, which is neutral and non-polar, at codon 110 of the TSFM protein (p.Leu110Phe). This variant is present in population databases (rs77670568, gnomAD 0.01%). This variant has not been reported in the literature in individuals affected with TSFM-related conditions. ClinVar contains an entry for this variant (Variation ID: 806908). Algorithms developed to predict the effect of missense changes on protein structure and function (SIFT, PolyPhen-2, Align-GVGD) all suggest that this variant is likely to be tolerated. In summary, the available evidence is currently insufficient to determine the role of this variant in disease. Therefore, it has been classified as a Variant of Uncertain Significance.

CeGaT Center for Human Genetics Tuebingen
Classification: Uncertain significance. Last evaluated: 2017-02-01. Review status: criteria provided, single submitter. Criteria: CeGaT Center For Human Genetics Tuebingen Variant Classification Criteria Version 2. Collection method: clinical testing. Allele origin: germline. Affected: yes. Observed: 1 variant allele.

NM_005726.6(TSFM):c.330G>T (p.Leu110Phe)

Gene: TSFM (Ts translation elongation factor, mitochondrial; plus strand). Cytogenetic location: 12q14.1.
Variant type: single nucleotide variant.
Coding change: c.330G>T on transcript NM_005726.6 (MANE Select); coding-DNA position 330, G replaced by T.
Protein change: p.Leu110Phe; replaces leucine 110 with phenylalanine.
Molecular consequence: missense variant.
Genome position (GRCh38, 1-based): chr12:57,786,261, G>T. VCF-style: chr12-57786261-G-T. GRCh37 (hg19) VCF-style: chr12-58180044-G-T.
Other names: p.Leu110Phe; c.330G>T (NM_001172696.1); c.330G>T, p.Leu110Phe (NM_001172695.2, NM_001172696.2, NM_001172697.2); short protein forms L110F.
Identifiers: ClinVar variation 806908 (VCV000806908.45), dbSNP rs77670568, ClinGen allele CA6659320.